The following is an entry in ClinVar:

ClinVar aggregate classification (germline): Uncertain significance (1 of 4 stars; one submission).

gnomAD v4.1: 2 of 1,595,710 alleles (0.00013%); highest among the groups gnomAD compares: Admixed American, 0.0034%; no homozygotes.

Submission:

GeneDx
Classification: Uncertain significance. Last evaluated: 2026-03-05. Review status: criteria provided, single submitter. Criteria: GeneDx Variant Classification Process June 2021. Collection method: clinical testing. Allele origin: germline.
Comment: Not observed at significant frequency in large population cohorts (gnomAD); In silico analysis suggests that this missense variant does not alter protein structure/function; Has not been previously published as pathogenic or benign to our knowledge; Reported using an alternate transcript of the gene

NM_153676.4(USH1C):c.1700C>T (p.Pro567Leu)

Gene: USH1C (USH1 protein network component harmonin; minus strand). Cytogenetic location: 11p15.1.
Variant type: single nucleotide variant.
Coding change: c.1700C>T on transcript NM_153676.4 (MANE Select); coding-DNA position 1700, C replaced by T.
Protein change: p.Pro567Leu; replaces proline 567 with leucine.
Molecular consequence: missense variant. On other transcripts: intron variant (11).
Genome position (GRCh38, 1-based): chr11:17,509,669, G>A on the plus strand (C>T on the coding strand, the complement: USH1C is on the minus strand). VCF-style: chr11-17509669-G-A. GRCh37 (hg19) VCF-style: chr11-17531216-G-A.
Other names: c.1228-7689C>T (NM_001297764.2); c.1210+11201C>T (NM_001440687.1); c.1413+2233C>T (NM_001440681.1); c.1285-7689C>T (NM_001440685.1, NM_005709.4, NM_001440682.1); c.1285-4972C>T (NM_001440683.1); c.1437+2233C>T (NM_001440680.1); c.1261-7689C>T (NM_001440686.1); c.1318-7689C>T (NM_001440684.1); and 1 more; short protein forms P567L.
Identifiers: ClinVar variation 5008390 (VCV005008390.1).